The following is an entry in ClinVar:

ClinVar aggregate classification (germline): Likely benign. Review status: criteria provided, multiple submitters, no conflicts (2 of 4 stars). 5 submissions from 5 submitters: Likely benign (2). 3 of the submissions do not count toward it. Last evaluated 2026-01-26.

Conditions:
JAK2-related disorder. Also called: JAK2-related condition.

Allele frequency attached by ClinVar (database versions not stated): 1000 Genomes Project 30x 0.00016; 1000 Genomes Project 0.00020; ExAC 0.00028; gnomAD 0.00032; TOPMed 0.00043; ESP Exome Variant Server 0.00062.
gnomAD v4.1: 890 of 1,604,920 alleles (0.055%); highest among the groups gnomAD compares: Non-Finnish European, 0.074%; no homozygotes.

Submissions (5):

Labcorp Genetics (formerly Invitae), Labcorp
Classification: Likely benign. Last evaluated: 2026-01-26. Review status: criteria provided, single submitter. Criteria: Invitae Variant Classification Sherloc (09022015). Collection method: clinical testing. Allele origin: germline.

CeGaT Center for Human Genetics Tuebingen
Classification: Likely benign. Last evaluated: 2025-01-01. Review status: criteria provided, single submitter. Criteria: CeGaT Center For Human Genetics Tuebingen Variant Classification Criteria Version 2. Collection method: clinical testing. Allele origin: germline. Affected: yes. Observed: 1 variant allele.
Comment: JAK2: BP4, BP7

PreventionGenetics, part of Exact Sciences
Classification: Likely benign for JAK2-related condition. Last evaluated: 2023-06-22. Review status: no assertion criteria provided. Collection method: clinical testing. Allele origin: germline. Not counted in ClinVar's aggregate classification.
Comment: This variant is classified as likely benign based on ACMG/AMP sequence variant interpretation guidelines (Richards et al. 2015 PMID: 25741868, with internal and published modifications).

Clinical Genetics DNA and cytogenetics Diagnostics Lab, Erasmus MC, Erasmus Medical Center
Classification: Likely benign. Review status: no assertion criteria provided. Collection method: clinical testing. Allele origin: germline. Affected: yes. Study: VKGL Data-share Consensus. Not counted in ClinVar's aggregate classification.

Genome Diagnostics Laboratory, University Medical Center Utrecht
Classification: Likely benign. Review status: no assertion criteria provided. Collection method: clinical testing. Allele origin: germline. Affected: yes. Study: VKGL Data-share Consensus. Not counted in ClinVar's aggregate classification.

NM_004972.4(JAK2):c.2488C>T (p.Leu830=)

Genes: INSL6 (insulin like 6; minus strand), JAK2 (Janus kinase 2; plus strand). Cytogenetic location: 9p24.1.
Variant type: single nucleotide variant.
Coding change: c.2488C>T on transcript NM_004972.4 (MANE Select); coding-DNA position 2488, C replaced by T.
Protein change: p.Leu830=; no amino-acid change (leucine 830 retained).
Molecular consequence: synonymous variant. On other transcripts: non-coding transcript variant (2).
Genome position (GRCh38, 1-based): chr9:5,081,778, C>T. VCF-style: chr9-5081778-C-T. GRCh37 (hg19) VCF-style: chr9-5081778-C-T.
Other names: c.2488C>T, p.Leu830= (NM_001322194.2, NM_001322195.2, NM_001322196.2); c.1273C>T, p.Leu425= (NM_001322198.2, NM_001322199.2); c.2041C>T, p.Leu681= (NM_001322204.2).
Identifiers: ClinVar variation 788275 (VCV000788275.26), dbSNP rs138340828, ClinGen allele CA4972168.
Genomic context (GRCh38, chr9:5,081,778, plus strand): 5'-TCTCCAGATTATGAACTATTAACAGAAAATGACATGTTACCAAATATGAGGATAGGTGCC[C>T]TGGGGTTTTCTGGTGCCTTTGAAGACCGGGATCCTACACAGTTTGAAGAGAGACATTTGA-3'
Protein context (NP_004963.1, residues 820-840): DMLPNMRIGA[Leu830=]GFSGAFEDRD